The following is an entry in ClinVar:

NM_024996.7(GFM1):c.2143A>G (p.Met715Val)

Gene: GFM1 (G elongation factor mitochondrial 1; plus strand). Cytogenetic location: 3q25.32.
Variant type: single nucleotide variant.
Coding change: c.2143A>G on transcript NM_024996.7 (MANE Select); coding-DNA position 2143, A replaced by G.
Protein change: p.Met715Val; replaces methionine 715 with valine.
Molecular consequence: missense variant. On other transcripts: non-coding transcript variant (4).
Genome position (GRCh38, 1-based): chr3:158,691,354, A>G. VCF-style: chr3-158691354-A-G. GRCh37 (hg19) VCF-style: chr3-158409143-A-G.
Other names: c.2200A>G, p.Met734Val (NM_001308164.2); c.2062A>G, p.Met688Val (NM_001374355.1); c.2026A>G, p.Met676Val (NM_001374356.1); c.1918A>G, p.Met640Val (NM_001374357.1); c.1684A>G, p.Met562Val (NM_001374358.1); c.1576A>G, p.Met526Val (NM_001374359.1); c.1522A>G, p.Met508Val (NM_001374360.1); c.1459A>G, p.Met487Val (NM_001374361.1); and 1 more; short protein forms M487V, M508V, M526V, M562V, M640V, M676V, M688V, M715V.
Identifiers: ClinVar variation 1254017 (VCV001254017.13), dbSNP rs147620098, ClinGen allele CA2683119.

ClinVar aggregate classification (germline): Conflicting classifications of pathogenicity. Review status: criteria provided, conflicting classifications (1 of 4 stars). 5 submissions from 5 submitters: Uncertain significance (1); Likely benign (3). 1 of the submissions does not count toward it. Last evaluated 2026-01-26.

Conditions:
GFM1-related disorder. Also called: GFM1-related condition.
Hepatoencephalopathy due to combined oxidative phosphorylation defect type 1. Also called: HEPATOENCEPHALOPATHY, EARLY FATAL PROGRESSIVE. Identifiers: Orphanet 137681, MedGen C1836797, MONDO:0012191, OMIM 609060.

Allele frequency attached by ClinVar (database versions not stated): gnomAD exomes 0.00004 and 0.00014; ExAC 0.00021; 1000 Genomes Project 30x 0.00031; gnomAD 0.00033 and 0.00034; ESP Exome Variant Server 0.00038; 1000 Genomes Project 0.00040; TOPMed 0.00042.
gnomAD v4.1: 103 of 1,613,900 alleles (0.0064%); highest among the groups gnomAD compares: African/African-American, 0.1%; no homozygotes.

Submissions (5):

Labcorp Genetics (formerly Invitae), Labcorp
Classification: Likely benign. Last evaluated: 2026-01-26. Review status: criteria provided, single submitter. Criteria: Invitae Variant Classification Sherloc (09022015). Collection method: clinical testing. Allele origin: germline.

PreventionGenetics, part of Exact Sciences
Classification: Likely benign for GFM1-related condition. Last evaluated: 2026-01-07. Review status: criteria provided, single submitter. Criteria: ACMG Guidelines, 2015. Collection method: clinical testing. Allele origin: germline.
Comment: This variant is classified as likely benign based on ACMG/AMP sequence variant interpretation guidelines (Richards et al. 2015 PMID: 25741868, with internal and published modifications).

GeneDx
Classification: Uncertain significance. Last evaluated: 2025-01-23. Review status: criteria provided, single submitter. Criteria: GeneDx Variant Classification Process June 2021. Collection method: clinical testing. Allele origin: germline. Affected: yes.
Comment: In silico analysis supports that this missense variant has a deleterious effect on protein structure/function; Has not been previously published as pathogenic or benign to our knowledge

Blueprint Genetics
Classification: Likely benign. Last evaluated: 2024-09-03. Review status: criteria provided, single submitter. Criteria: ACMG Guidelines, 2015. Collection method: clinical testing. Allele origin: germline.

Natera, Inc.
Classification: Uncertain significance for Combined oxidative phosphorylation deficiency 1. Last evaluated: 2020-04-23. Review status: no assertion criteria provided. Collection method: clinical testing. Allele origin: germline. Not counted in ClinVar's aggregate classification.